The following is an entry in ClinVar:

NM_002291.3(LAMB1):c.3623A>G (p.Lys1208Arg)

Gene: LAMB1 (laminin subunit beta 1; minus strand). Cytogenetic location: 7q31.1.
Variant type: single nucleotide variant.
Coding change: c.3623A>G on transcript NM_002291.3 (MANE Select); coding-DNA position 3623, A replaced by G.
Protein change: p.Lys1208Arg; replaces lysine 1208 with arginine.
Molecular consequence: missense variant.
Genome position (GRCh38, 1-based): chr7:107,940,127, T>C on the plus strand (A>G on the coding strand, the complement: LAMB1 is on the minus strand). VCF-style: chr7-107940127-T-C. GRCh37 (hg19) VCF-style: chr7-107580572-T-C.
Other names: short protein forms K1208R.
Identifiers: ClinVar variation 4887587 (VCV004887587.1).
Genomic context (GRCh38, chr7:107,940,127, plus strand): 5'-CTGACTTTCCTCTCCACCGAGTCCACAGTCTCACGGTAAGGCCCGATCACACCACTGATC[T>C]TCAAGGCCTTGGCTTTCTCCAGGAATCTGTGTGTCCTGTTGGTCAGCTCGGCAATGATCA-3'
Protein context (NP_002282.2, residues 1198-1218): HRFLEKAKAL[Lys1208Arg]ISGVIGPYRE

ClinVar aggregate classification (germline): Uncertain significance (1 of 4 stars; one submission).

gnomAD v4.1: 151 of 1,614,120 alleles (0.0094%); highest among the groups gnomAD compares: East Asian, 0.33%; 1 homozygote.

Submission:

Women's Health and Genetics/Laboratory Corporation of America, LabCorp
Classification: Uncertain significance. Last evaluated: 2026-06-02. Review status: criteria provided, single submitter. Criteria: LabCorp Variant Classification Summary - May 2015. Collection method: clinical testing. Allele origin: germline.
Comment: Variant summary: LAMB1 c.3623A>G (p.Lys1208Arg) results in a conservative amino acid change in the encoded protein sequence. Algorithms developed to predict the effect of missense changes on protein structure and function are either unavailable or do not agree on the potential impact of this missense change. The variant allele was found at a frequency of 3.2e-05 in 251428 control chromosomes. The available data on variant occurrences in the general population are insufficient to allow any conclusion about variant significance. To our knowledge, no occurrence of c.3623A>G in individuals affected with LAMB1-related conditions and no experimental evidence demonstrating its impact on protein function have been reported. No submitters have cited clinical-significance assessments for this variant to ClinVar. Based on the evidence outlined above, the variant was classified as uncertain significance.